The following is an entry in ClinVar:

NM_001875.5(CPS1):c.1063A>G (p.Asn355Asp)

Gene: CPS1 (carbamoyl-phosphate synthase 1; plus strand). Cytogenetic location: 2q34.
Variant type: single nucleotide variant.
Coding change: c.1063A>G on transcript NM_001875.5 (MANE Select); coding-DNA position 1063, A replaced by G.
Protein change: p.Asn355Asp; replaces asparagine 355 with aspartic acid.
Molecular consequence: missense variant. On other transcripts: non-coding transcript variant (1).
Genome position (GRCh38, 1-based): chr2:210,591,946, A>G. VCF-style: chr2-210591946-A-G. GRCh37 (hg19) VCF-style: chr2-211456670-A-G.
Other names: c.1063A>G, p.Asn355Asp (NM_001122633.3, NM_001369257.1); c.1096A>G, p.Asn366Asp (NM_001369256.1); c.1063A>G (LRG_336t1); short protein forms N355D, N366D.
Identifiers: ClinVar variation 632341 (VCV000632341.8), dbSNP rs1472190012, ClinGen allele CA350430643.
Genomic context (GRCh38, chr2:210,591,946, plus strand): 5'-CAGAATCATGGCTATGCCTTGGACAACACCCTCCCTGCTGGCTGGAAACCACTTTTTGTG[A>G]ATGTCAACGATCAAACAAATGAGGTAAATGATGTCAATAAACCTGTTCAGTTGGTGATGA-3'
Protein context (NP_001866.2, residues 345-365): LPAGWKPLFV[Asn355Asp]VNDQTNEGIM

ClinVar aggregate classification (germline): Conflicting classifications of pathogenicity. Review status: criteria provided, conflicting classifications (1 of 4 stars). 4 submissions from 4 submitters: Likely pathogenic (2); Uncertain significance (1). 1 of the submissions does not count toward it. Last evaluated 2024-10-22.

Conditions:
CPS1-related disorder. Also called: CPS1-related condition.
Pulmonary hypertension, neonatal, susceptibility to (PHN). Identifiers: MedGen C3714958, MONDO:0014151, OMIM 615371.
Congenital hyperammonemia, type I. Also called: Carbamoyl phosphate synthetase 1 deficiency; Hyperammonemia due to carbamoyl phosphate synthetase 1 deficiency; CPS 1 deficiency; Carbamyl phosphate synthetase (CPS) deficiency; Carbamoyl phosphate synthetase I deficiency disease; CPS I DEFICIENCY. Identifiers: Orphanet 147, MedGen C4082171, MONDO:0009376, OMIM 237300.

Allele frequency attached by ClinVar (database versions not stated): gnomAD 0.00001; TOPMed 0.00001; gnomAD exomes 0.00002.
gnomAD v4.1: 14 of 1,611,800 alleles (0.00087%); highest among the groups gnomAD compares: Non-Finnish European, 0.0012%; no homozygotes.

Submissions (4):

Blueprint Genetics
Classification: Likely pathogenic for CPS1-related disorders. Last evaluated: 2024-10-22. Review status: criteria provided, single submitter. Criteria: ACMG Guidelines, 2015. Collection method: clinical testing. Allele origin: germline. Affected: yes. Observed: 4 variant alleles.

Fulgent Genetics
Classification: Likely pathogenic for Congenital hyperammonemia, type I; Pulmonary hypertension, neonatal, susceptibility to. Last evaluated: 2024-06-20. Review status: criteria provided, single submitter. Criteria: ACMG Guidelines, 2015. Collection method: clinical testing. Allele origin: germline.

Women's Health and Genetics/Laboratory Corporation of America, LabCorp
Classification: Uncertain significance. Last evaluated: 2024-04-29. Review status: criteria provided, single submitter. Criteria: LabCorp Variant Classification Summary - May 2015. Collection method: clinical testing. Allele origin: germline.
Comment: Variant summary: CPS1 c.1063A>G (p.Asn355Asp) results in a conservative amino acid change in the encoded protein sequence. Four of five in-silico tools predict a damaging effect of the variant on protein function. The variant was absent in 249860 control chromosomes. c.1063A>G has been reported in the literature in at-least two individuals affected with Carbamoylphosphate Synthetase I Deficiency (Diez-Fernandez_2013, Eeds_2006, Haberle_2011). These data indicate that the variant may be associated with disease. At least one publication reports experimental evidence evaluating an impact on protein function. The most pronounced variant effect results in about 20% of normal activity and substantially decreased thermal stability (Diez-Fernandez_2013). The following publications have been ascertained in the context of this evaluation (PMID: 23649895, 16737834, 21120950). ClinVar contains an entry for this variant (Variation ID: 632341). Based on the evidence outlined above, the variant was classified as VUS-possibly pathogenic.

PreventionGenetics, part of Exact Sciences
Classification: Likely pathogenic for CPS1-related condition. Last evaluated: 2024-08-01. Review status: no assertion criteria provided. Collection method: clinical testing. Allele origin: germline. Not counted in ClinVar's aggregate classification.
Comment: The CPS1 c.1063A>G variant is predicted to result in the amino acid substitution p.Asn355Asp. This variant has been reported in individuals with carbamoyl phosphate synthetase I deficiency (Eeds et al. 2006. PubMed ID: 16737834; Table S1, Häberle et al. 2011. PubMed ID: 21120950; Diez-Fernandez et al. 2013. PubMed ID: 23649895). In vitro functional studies demonstrate that expression of this variant results in decreased enzyme activity and affects enzyme kinetics and thermal stability (Diez-Fernandez et al. 2013. PubMed ID: 23649895). This variant has not been reported in a large population database, indicating this variant is rare. This variant is interpreted as likely pathogenic.

Literature cited by the submitters: PubMed 23649895 (cited by Women's Health and Genetics/Laboratory Corporation of America, LabCorp); PubMed 16737834 (cited by Women's Health and Genetics/Laboratory Corporation of America, LabCorp); PubMed 21120950 (cited by Women's Health and Genetics/Laboratory Corporation of America, LabCorp).